The following is an entry in ClinVar:

ClinVar aggregate classification (germline): Uncertain significance. Review status: criteria provided, multiple submitters, no conflicts (2 of 4 stars). 5 submissions from 5 submitters: Uncertain significance (2). 3 of the submissions do not count toward it. Last evaluated 2021-07-01.

Conditions:
Hereditary cancer-predisposing syndrome. Also called: Tumor predisposition; Hereditary neoplastic syndrome; Hereditary Cancer Syndrome; Neoplastic Syndromes, Hereditary. Identifiers: Orphanet 140162, MedGen C0027672, MeSH D009386, MONDO:0015356.
Hereditary breast ovarian cancer syndrome. Also called: Hereditary breast and ovarian cancer; Hereditary breast and ovarian cancer syndrome; Hereditary breast and/or ovarian cancer syndrome; BRCA1- and BRCA2-Associated Hereditary Breast and Ovarian Cancer; Hereditary breast and ovarian cancer syndrome (HBOC); Breast and ovarian cancer. Identifiers: Orphanet 145, MedGen C0677776, MeSH D061325, MONDO:0003582. Disease mechanism: loss of function.

gnomAD v4.1: 4 of 1,613,936 alleles (0.00025%); highest among the groups gnomAD compares: Non-Finnish European, 0.00034%; no homozygotes.

Submissions (5):

Labcorp Genetics (formerly Invitae), Labcorp
Classification: Uncertain significance for Hereditary breast ovarian cancer syndrome. Last evaluated: 2021-07-01. Review status: criteria provided, single submitter. Criteria: Invitae Variant Classification Sherloc (09022015). Collection method: clinical testing. Allele origin: germline.
Comment: Experimental studies have shown that this variant does not substantially affect BRCA1 protein function (PMID: 23867111). This sequence change replaces leucine with proline at codon 165 of the BRCA1 protein (p.Leu165Pro). The leucine residue is moderately conserved and there is a moderate physicochemical difference between leucine and proline. This variant is not present in population databases (ExAC no frequency). This variant has not been reported in the literature in individuals affected with BRCA1-related conditions. Advanced modeling of protein sequence and biophysical properties (such as structural, functional, and spatial information, amino acid conservation, physicochemical variation, residue mobility, and thermodynamic stability) performed at Invitae indicates that this missense variant is not expected to disrupt BRCA1 protein function. In summary, the available evidence is currently insufficient to determine the role of this variant in disease. Therefore, it has been classified as a Variant of Uncertain Significance.

Ambry Genetics
Classification: Uncertain significance for Hereditary cancer-predisposing syndrome. Last evaluated: 2021-04-05. Review status: criteria provided, single submitter. Criteria: Ambry Variant Classification Scheme 2023. Collection method: clinical testing. Allele origin: germline.
Comment: The p.L165P variant (also known as c.494T>C), located in coding exon 6 of the BRCA1 gene, results from a T to C substitution at nucleotide position 494. The leucine at codon 165 is replaced by proline, an amino acid with similar properties. This amino acid position is not well conserved in available vertebrate species. In addition, this alteration is predicted to be deleterious by in silico analysis. Since supporting evidence is limited at this time, the clinical significance of this alteration remains unclear.

Clinical Genetics Laboratory, Department of Pathology, Netherlands Cancer Institute
Classification: Likely benign. Review status: no assertion criteria provided. Collection method: clinical testing. Allele origin: germline. Affected: yes. Study: VKGL Data-share Consensus. Not counted in ClinVar's aggregate classification.

Diagnostic Laboratory, Department of Genetics, University Medical Center Groningen
Classification: Likely benign. Review status: no assertion criteria provided. Collection method: clinical testing. Allele origin: germline. Affected: yes. Study: VKGL Data-share Consensus. Not counted in ClinVar's aggregate classification.

Laboratory of Diagnostic Genome Analysis, Leiden University Medical Center (LUMC)
Classification: Likely benign. Review status: no assertion criteria provided. Collection method: clinical testing. Allele origin: germline. Affected: yes. Study: VKGL Data-share Consensus. Not counted in ClinVar's aggregate classification.

Literature cited by the submitters: PubMed 23867111 (cited by Labcorp Genetics (formerly Invitae), Labcorp).

NM_007294.4(BRCA1):c.494T>C (p.Leu165Pro)

Gene: BRCA1 (BRCA1 DNA repair associated; minus strand). Cytogenetic location: 17q21.31.
Variant type: single nucleotide variant.
Coding change: c.494T>C on transcript NM_007294.4 (MANE Select); coding-DNA position 494, T replaced by C.
Protein change: p.Leu165Pro; replaces leucine 165 with proline.
Molecular consequence: missense variant. On other transcripts: non-coding transcript variant (1).
Genome position (GRCh38, 1-based): chr17:43,099,828, A>G on the plus strand (T>C on the coding strand, the complement: BRCA1 is on the minus strand). VCF-style: chr17-43099828-A-G. GRCh37 (hg19) VCF-style: chr17-41251845-A-G.
Other names: c.494T>C, p.Leu165Pro (NM_001407977.1, NM_001407978.1, NM_001407624.1 and 97 more transcripts); c.491T>C, p.Leu164Pro (NM_001407631.1, NM_001407629.1, NM_001407627.1 and 65 more transcripts); c.416T>C, p.Leu139Pro (NM_001407655.1, NM_001407656.1, NM_001407657.1 and 12 more transcripts); c.413T>C, p.Leu138Pro (NM_001407659.1, NM_001407660.1, NM_001407661.1 and 6 more transcripts); c.353T>C, p.Leu118Pro (NM_001407692.1, NM_001407694.1, NM_001407695.1 and 61 more transcripts); c.350T>C, p.Leu117Pro (NM_001407740.1, NM_001407741.1, NM_001407742.1 and 35 more transcripts); c.281T>C, p.Leu94Pro (NM_001407853.1, NM_001407894.1, NM_001407895.1 and 18 more transcripts); c.284T>C, p.Leu95Pro (NM_001407879.1, NM_001407881.1, NM_001407882.1 and 37 more transcripts); and 4 more; short protein forms L118P, L165P, L117P, L138P, L164P, L94P, L95P, L139P.
Identifiers: ClinVar variation 1175105 (VCV001175105.16), dbSNP rs2154528996, ClinGen allele CA10601153.
Genomic context (GRCh38, chr17:43,099,828, plus strand): 5'-CCCTTACCCAATTCAATGTAGACAGACGTCTTTTGAGGTTGTATCCGCTGCTTTGTCCTC[A>G]GAGTTCTCACAGTTCCAAGGTTAGAGAGTTGGACACTGAGACTGGTTTCCTGCTAAACAG-3'
Protein context (NP_009225.1, residues 155-175): QLSNLGTVRT[Leu165Pro]RTKQRIQPQK